The following is an entry in ClinVar:

ClinVar aggregate classification (germline): Likely benign. Review status: criteria provided, single submitter (1 of 4 stars). 2 submissions from 2 submitters: Likely benign (1). 1 of the submissions does not count toward it. Last evaluated 2026-01-28.

Conditions:
ABCC8-related disorder.

Allele frequency attached by ClinVar (database versions not stated): TOPMed 0.00002; ExAC 0.00003; gnomAD 0.00003 and 0.00004; gnomAD exomes 0.00004; ESP Exome Variant Server 0.00008.
gnomAD v4.1: 42 of 1,611,650 alleles (0.0026%); highest among the groups gnomAD compares: Non-Finnish European, 0.0034%; no homozygotes.

Submissions (2):

Labcorp Genetics (formerly Invitae), Labcorp
Classification: Likely benign. Last evaluated: 2026-01-28. Review status: criteria provided, single submitter. Criteria: Invitae Variant Classification Sherloc (09022015). Collection method: clinical testing. Allele origin: germline.

PreventionGenetics, part of Exact Sciences
Classification: Likely benign for ABCC8-related condition. Last evaluated: 2019-05-22. Review status: no assertion criteria provided. Collection method: clinical testing. Allele origin: germline. Not counted in ClinVar's aggregate classification.
Comment: This variant is classified as likely benign based on ACMG/AMP sequence variant interpretation guidelines (Richards et al. 2015 PMID: 25741868, with internal and published modifications).

NM_000352.6(ABCC8):c.90G>A (p.Ala30=)

Gene: ABCC8 (ATP binding cassette subfamily C member 8; minus strand). Cytogenetic location: 11p15.1.
Variant type: single nucleotide variant.
Coding change: c.90G>A on transcript NM_000352.6 (MANE Select); coding-DNA position 90, G replaced by A.
Protein change: p.Ala30=; no amino-acid change (alanine 30 retained).
Molecular consequence: synonymous variant. On other transcripts: non-coding transcript variant (1).
Genome position (GRCh38, 1-based): chr11:17,476,687, C>T on the plus strand (G>A on the coding strand, the complement: ABCC8 is on the minus strand). VCF-style: chr11-17476687-C-T. GRCh37 (hg19) VCF-style: chr11-17498234-C-T.
Other names: c.90G>A, p.Ala30= (NM_001287174.3, NM_001351295.2, NM_001351296.2 and 1 more transcripts); c.90G>A (NM_000352.4).
Identifiers: ClinVar variation 1152313 (VCV001152313.11), dbSNP rs377209579, ClinGen allele CA5903985.